The following is an entry in ClinVar:

NM_016335.6(PRODH):c.1402G>A (p.Glu468Lys)

Gene: PRODH (proline dehydrogenase 1; minus strand). Cytogenetic location: 22q11.21.
Variant type: single nucleotide variant.
Coding change: c.1402G>A on transcript NM_016335.6 (MANE Select); coding-DNA position 1402, G replaced by A.
Protein change: p.Glu468Lys; replaces glutamic acid 468 with lysine.
Molecular consequence: missense variant.
Genome position (GRCh38, 1-based): chr22:18,918,341, C>T on the plus strand (G>A on the coding strand, the complement: PRODH is on the minus strand). VCF-style: chr22-18918341-C-T. GRCh37 (hg19) VCF-style: chr22-18905854-C-T.
Other names: c.1078G>A, p.Glu360Lys (NM_001195226.2); short protein forms E468K, E360K.
Identifiers: ClinVar variation 847648 (VCV000847648.9), dbSNP rs372618210, ClinGen allele CA10094963.

ClinVar aggregate classification (germline): Uncertain significance. Review status: criteria provided, multiple submitters, no conflicts (2 of 4 stars). 3 submissions from 3 submitters: Uncertain significance (3). Last evaluated 2024-06-06.

Conditions:
Proline dehydrogenase deficiency (HYRPRO1). Also called: Hyperprolinemia type 1; PROLINE OXIDASE DEFICIENCY. Identifiers: Orphanet 419, MedGen C0268529, MONDO:0009400, OMIM 239500.
Schizophrenia 4 (SCZD4). Also called: SCHIZOPHRENIA, SUSCEPTIBILITY TO, 4; SCHIZOPHRENIA SUSCEPTIBILITY LOCUS, CHROMOSOME 22q11-RELATED. Identifiers: MedGen C1833247, MONDO:0010943, OMIM 600850.

Allele frequency attached by ClinVar (database versions not stated): gnomAD below 0.00001; gnomAD exomes 0.00004 and 0.00005; ExAC 0.00005; 1000 Genomes Project 0.00020.

Submissions (3):

Blueprint Genetics
Classification: Uncertain significance. Last evaluated: 2024-06-06. Review status: criteria provided, single submitter. Criteria: ACMG Guidelines, 2015. Collection method: clinical testing. Allele origin: germline.

Labcorp Genetics (formerly Invitae), Labcorp
Classification: Uncertain significance for Proline dehydrogenase deficiency. Last evaluated: 2022-07-09. Review status: criteria provided, single submitter. Criteria: Invitae Variant Classification Sherloc (09022015). Collection method: clinical testing. Allele origin: germline.
Comment: In summary, the available evidence is currently insufficient to determine the role of this variant in disease. Therefore, it has been classified as a Variant of Uncertain Significance. Algorithms developed to predict the effect of missense changes on protein structure and function are either unavailable or do not agree on the potential impact of this missense change (SIFT: "Deleterious"; PolyPhen-2: "Possibly Damaging"; Align-GVGD: "Class C0"). ClinVar contains an entry for this variant (Variation ID: 847648). This variant has not been reported in the literature in individuals affected with PRODH-related conditions. This variant is present in population databases (rs372618210, gnomAD 0.03%). This sequence change replaces glutamic acid, which is acidic and polar, with lysine, which is basic and polar, at codon 468 of the PRODH protein (p.Glu468Lys).

Fulgent Genetics
Classification: Uncertain significance for Proline dehydrogenase deficiency; Schizophrenia 4. Last evaluated: 2022-02-03. Review status: criteria provided, single submitter. Criteria: ACMG Guidelines, 2015. Collection method: clinical testing. Allele origin: unknown.